The following is an entry in ClinVar:

NM_002529.4(NTRK1):c.1868G>T (p.Gly623Val)

Gene: NTRK1 (neurotrophic receptor tyrosine kinase 1; plus strand). Cytogenetic location: 1q23.1.
Variant type: single nucleotide variant.
Coding change: c.1868G>T on transcript NM_002529.4 (MANE Select); coding-DNA position 1868, G replaced by T.
Protein change: p.Gly623Val; replaces glycine 623 with valine.
Molecular consequence: missense variant.
Genome position (GRCh38, 1-based): chr1:156,879,184, G>T. VCF-style: chr1-156879184-G-T. GRCh37 (hg19) VCF-style: chr1-156848976-G-T.
Other names: c.1868G>T, p.Gly623Val (NM_001007204.1); c.1760G>T, p.Gly587Val (NM_001007792.1); c.1850G>T, p.Gly617Val (NM_001012331.2); short protein forms G587V, G617V, G623V.
Identifiers: ClinVar variation 1720009 (VCV001720009.5), dbSNP rs1648099765, ClinGen allele CA342939577.

ClinVar aggregate classification (germline): Uncertain significance (1 of 4 stars; one submission).

Conditions:
Hereditary insensitivity to pain with anhidrosis (CIPA). Also called: INSENSITIVITY TO PAIN, CONGENITAL, WITH ANHIDROSIS; NTRK1 Congenital Insensitivity to Pain with Anhidrosis; HSAN Type IV; hereditary sensory and autonomic neuropathy type 4; FAMILIAL DYSAUTONOMIA, TYPE II; NEUROPATHY, CONGENITAL SENSORY, WITH ANHIDROSIS. Identifiers: Orphanet 642, MedGen C0020074, MONDO:0009746, OMIM 256800.

Submission:

Labcorp Genetics (formerly Invitae), Labcorp
Classification: Uncertain significance for Hereditary insensitivity to pain with anhidrosis. Last evaluated: 2022-10-19. Review status: criteria provided, single submitter. Criteria: Invitae Variant Classification Sherloc (09022015). Collection method: clinical testing. Allele origin: germline.
Comment: In summary, the available evidence is currently insufficient to determine the role of this variant in disease. Therefore, it has been classified as a Variant of Uncertain Significance. Algorithms developed to predict the effect of missense changes on protein structure and function (SIFT, PolyPhen-2, Align-GVGD) all suggest that this variant is likely to be tolerated. This variant has not been reported in the literature in individuals affected with NTRK1-related conditions. This variant is not present in population databases (gnomAD no frequency). This sequence change replaces glycine, which is neutral and non-polar, with valine, which is neutral and non-polar, at codon 617 of the NTRK1 protein (p.Gly617Val).